The following is an entry in ClinVar:

ClinVar aggregate classification (germline): Likely benign (1 of 4 stars; one submission).

Conditions:
SF3B2-related disorder. Also called: SF3B2-related condition.

gnomAD v4.1: 2 of 1,613,440 alleles (0.00012%); highest among the groups gnomAD compares: Non-Finnish European, 0.00017%; no homozygotes.

Submission:

PreventionGenetics, part of Exact Sciences
Classification: Likely benign for SF3B2-related condition. Last evaluated: 2025-02-27. Review status: criteria provided, single submitter. Criteria: ACMG Guidelines, 2015. Collection method: clinical testing. Allele origin: germline.
Comment: This variant is classified as likely benign based on ACMG/AMP sequence variant interpretation guidelines (Richards et al. 2015 PMID: 25741868, with internal and published modifications).

NM_006842.3(SF3B2):c.258+3A>C

Gene: SF3B2 (splicing factor 3b subunit 2; plus strand). Cytogenetic location: 11q13.1.
Variant type: single nucleotide variant.
Coding change: c.258+3A>C on transcript NM_006842.3 (MANE Select); 3 bases into the intron after coding-DNA position 258, A replaced by C.
Molecular consequence: intron variant.
Genome position (GRCh38, 1-based): chr11:66,053,107, A>C. VCF-style: chr11-66053107-A-C. GRCh37 (hg19) VCF-style: chr11-65820578-A-C.
Identifiers: ClinVar variation 4986463 (VCV004986463.1).
Genomic context (GRCh38, chr11:66,053,107, plus strand): 5'-GCCGGTTTTGAGAGGGGAAGATGGGGACAAAGCCGCTCCACCTCCCATGTCGGCACAGGT[A>C]GGGAGATTCTTCTGTTTTTTAAGATTCCATCTGCTGATCCTTTTGTAGTTCATGAGCATG-3'